The following is an entry in ClinVar:

ClinVar aggregate classification (germline): Conflicting classifications of pathogenicity. Review status: criteria provided, conflicting classifications (1 of 4 stars). 2 submissions from 2 submitters: Pathogenic (1); Uncertain significance (1). Last evaluated 2023-09-12.

Allele frequency attached by ClinVar (database versions not stated): gnomAD exomes below 0.00001.
gnomAD v4.1: 4 of 1,612,900 alleles (0.00025%); highest among the groups gnomAD compares: Non-Finnish European, 0.00025%; no homozygotes.

Submissions (2):

Women's Health and Genetics/Laboratory Corporation of America, LabCorp
Classification: Uncertain significance. Last evaluated: 2023-09-12. Review status: criteria provided, single submitter. Criteria: LabCorp Variant Classification Summary - May 2015. Collection method: clinical testing. Allele origin: germline.
Comment: Variant summary: ALDH3A2 c.1202G>A (p.Gly401Glu) results in a non-conservative amino acid change located in the Aldehyde dehydrogenase domain (IPR015590) of the encoded protein sequence. Five of five in-silico tools predict a damaging effect of the variant on protein function. The variant was absent in 251450 control chromosomes. c.1202G>A has been reported in the literature in an individual affected with Sjogren-Larsson Syndrome (Nakano_2008). These data indicate that the variant may be associated with disease. To our knowledge, no experimental evidence demonstrating an impact on protein function has been reported. The following publication have been ascertained in the context of this evaluation (PMID: 18684595). One submitter has cited clinical-significance assessments for this variant to ClinVar after 2014 and has classified the variant as pathogenic. Based on the evidence outlined above, the variant was classified as VUS-possibly pathogenic.

GeneDx
Classification: Pathogenic. Last evaluated: 2015-04-15. Review status: criteria provided, single submitter. Criteria: GeneDx Variant Classification (06012015). Collection method: clinical testing. Allele origin: germline. Affected: yes.
Comment: The G401E missense variant in the ALDH3A2 gene has been reported previously as a homozygousvariant in a patient diagnosed with a severe form of SjÃ¶gren-Larsson syndrome (Nakano et al., 2008). We interpret this variant as pathogenic.

Literature cited by the submitters: PubMed 18684595 (cited by Women's Health and Genetics/Laboratory Corporation of America, LabCorp).

NM_000382.3(ALDH3A2):c.1202G>A (p.Gly401Glu)

Gene: ALDH3A2 (aldehyde dehydrogenase 3 family member A2; plus strand). Cytogenetic location: 17p11.2.
Variant type: single nucleotide variant.
Coding change: c.1202G>A on transcript NM_000382.3 (MANE Select); coding-DNA position 1202, G replaced by A.
Protein change: p.Gly401Glu; replaces glycine 401 with glutamic acid.
Molecular consequence: missense variant.
Genome position (GRCh38, 1-based): chr17:19,665,042, G>A. VCF-style: chr17-19665042-G-A. GRCh37 (hg19) VCF-style: chr17-19568355-G-A.
Other names: c.1202G>A, p.Gly401Glu (NM_001031806.2, NM_001369136.1, NM_001369137.2 and 3 more transcripts); c.623G>A, p.Gly208Glu (NM_001369148.2); short protein forms G401E, G208E.
Identifiers: ClinVar variation 379490 (VCV000379490.3), dbSNP rs1010078101, ClinGen allele CA16607184.
Genomic context (GRCh38, chr17:19,665,042, plus strand): 5'-GAGGTGTCACAGGCAATGACGTCATTATGCACTTCACGCTCAACTCTTTCCCATTTGGAG[G>A]AGTGGGTGAGTCTTATTTTCTCCTGCTTGTAGTAGATATTTCAAAAGCACCACCATTTCA-3'
Protein context (NP_000373.1, residues 391-411): HFTLNSFPFG[Gly401Glu]VGSSGMGAYH